The following is an entry in ClinVar:

ClinVar aggregate classification (germline): Uncertain significance (1 of 4 stars; one submission).

Conditions:
Hereditary cancer-predisposing syndrome. Also called: Neoplastic Syndromes, Hereditary; Tumor predisposition; Hereditary neoplastic syndrome; Hereditary Cancer Syndrome. Identifiers: Orphanet 140162, MedGen C0027672, MeSH D009386, MONDO:0015356.

Submission:

Ambry Genetics
Classification: Uncertain significance for Hereditary cancer-predisposing syndrome. Last evaluated: 2024-02-20. Review status: criteria provided, single submitter. Criteria: Ambry Variant Classification Scheme 2023. Collection method: clinical testing. Allele origin: germline.
Comment: The p.E901Q variant (also known as c.2701G>C), located in coding exon 16 of the DICER1 gene, results from a G to C substitution at nucleotide position 2701. The glutamic acid at codon 901 is replaced by glutamine, an amino acid with highly similar properties. This amino acid position is conserved. In addition, this alteration is predicted to be tolerated by in silico analysis. Based on the available evidence, the clinical significance of this alteration remains unclear.

NM_177438.3(DICER1):c.2701G>C (p.Glu901Gln)

Gene: DICER1 (dicer 1, ribonuclease III; minus strand). Cytogenetic location: 14q32.13.
Variant type: single nucleotide variant.
Coding change: c.2701G>C on transcript NM_177438.3 (MANE Select); coding-DNA position 2701, G replaced by C.
Protein change: p.Glu901Gln; replaces glutamic acid 901 with glutamine.
Molecular consequence: missense variant. On other transcripts: non-coding transcript variant (6).
Genome position (GRCh38, 1-based): chr14:95,107,711, C>G on the plus strand (G>C on the coding strand, the complement: DICER1 is on the minus strand). VCF-style: chr14-95107711-C-G. GRCh37 (hg19) VCF-style: chr14-95574048-C-G.
Other names: c.2701G>C, p.Glu901Gln (NM_001195573.1, NM_001271282.3, NM_001291628.2 and 13 more transcripts); c.2419G>C, p.Glu807Gln (NM_001395686.1); c.2296G>C, p.Glu766Gln (NM_001395687.1, NM_001395688.1, NM_001395689.1 and 2 more transcripts); c.2134G>C, p.Glu712Gln (NM_001395691.1); c.1018G>C, p.Glu340Gln (NM_001395697.1); short protein forms E340Q, E712Q, E766Q, E807Q, E901Q.
Identifiers: ClinVar variation 3229342 (VCV003229342.1), dbSNP rs2542831285, ClinGen allele CA390879629.